The following is an entry in ClinVar:

NM_003002.4(SDHD):c.474_475delinsTT (p.Lys158_Leu159delinsAsnPhe)

Gene: SDHD (succinate dehydrogenase complex subunit D; plus strand). Cytogenetic location: 11q23.1.
Variant type: Indel.
Coding change: c.474_475delinsTT on transcript NM_003002.4 (MANE Select); coding-DNA positions 474 to 475, GC replaced by TT.
Protein change: p.Lys158_Leu159delinsAsnPhe.
Molecular consequence: missense variant. On other transcripts: 3 prime UTR variant (2), non-coding transcript variant (1).
Genome position (GRCh38, 1-based): chr11:112,094,964-112,094,965, GC replaced by TT. VCF-style: chr11-112094964-GC-TT. GRCh37 (hg19) VCF-style: chr11-111965688-GC-TT.
Other names: c.*71_*72delinsTT (NM_001276503.2); c.357_358delinsTT, p.Lys119_Leu120delinsAsnPhe (NM_001276504.2); c.*172_*173delinsTT (NM_001276506.2).
Identifiers: ClinVar variation 2032648 (VCV002032648.4), dbSNP rs2498917808, ClinGen allele CA2580083599.

ClinVar aggregate classification (germline): Uncertain significance (1 of 4 stars; one submission).

Conditions:
Carney-Stratakis syndrome. Also called: PARAGANGLIOMA AND GASTROINTESTINAL STROMAL TUMOR. Identifiers: Orphanet 97286, MedGen C1847319, MONDO:0011740, OMIM 606864.
Paragangliomas with sensorineural hearing loss. Identifiers: MedGen C1868633.
Pheochromocytoma. Also called: MAX-Related Hereditary Paraganglioma-Pheochromocytoma Syndrome. Identifiers: Orphanet 29072, MedGen C0031511, MONDO:0008233, OMIM 171300, HP:0002666.
Cowden syndrome 3 (CWS3). Identifiers: Orphanet 201, MedGen CN166604, MONDO:0014045.

Submission:

Labcorp Genetics (formerly Invitae), Labcorp
Classification: Uncertain significance for Carney-Stratakis syndrome; Paragangliomas with sensorineural hearing loss; Pheochromocytoma; Cowden syndrome 3. Last evaluated: 2025-04-07. Review status: criteria provided, single submitter. Criteria: Invitae Variant Classification Sherloc (09022015). Collection method: clinical testing. Allele origin: germline.
Comment: This variant, c.474_475delinsTT, is a complex sequence change that results in the deletion of 2 and insertion of 2 amino acid(s) in the SDHD protein (p.Lys158_Leu159delinsAsnPhe). Information on the frequency of this variant in the gnomAD database is not available, as this variant may be reported differently in the database. This variant has not been reported in the literature in individuals affected with SDHD-related conditions. ClinVar contains an entry for this variant (Variation ID: 2032648). Experimental studies and prediction algorithms are not available or were not evaluated, and the functional significance of this variant is currently unknown. In summary, the available evidence is currently insufficient to determine the role of this variant in disease. Therefore, it has been classified as a Variant of Uncertain Significance.